The following is an entry in ClinVar:

ClinVar aggregate classification (germline): Likely benign (1 of 4 stars; one submission).

Conditions:
Congenital defect of folate absorption. Also called: Hereditary Folate Malabsorption. Identifiers: Orphanet 90045, MedGen C0342705, MONDO:0009238, OMIM 229050.

Allele frequency attached by ClinVar (database versions not stated): 1000 Genomes Project 30x 0.00219; 1000 Genomes Project 0.00260; gnomAD 0.00348 and 0.00354; TOPMed 0.00365; gnomAD exomes 0.00490.
gnomAD v4.1: 2,443 of 541,756 alleles (0.45%); highest among the groups gnomAD compares: Middle Eastern, 1.2%; 15 homozygotes.

Submission:

Illumina Laboratory Services, Illumina
Classification: Likely benign for Congenital defect of folate absorption. Last evaluated: 2018-01-12. Review status: criteria provided, single submitter. Criteria: ICSL Variant Classification Criteria 13 December 2019. Collection method: clinical testing. Allele origin: germline.
Comment: This variant was observed in the ICSL laboratory as part of a predisposition screen in an ostensibly healthy population. It had not been previously curated by ICSL or reported in the Human Gene Mutation Database (HGMD: prior to June 1st, 2018), and was therefore a candidate for classification through an automated scoring system. Utilizing variant allele frequency, disease prevalence and penetrance estimates, and inheritance mode, an automated score was calculated to assess if this variant is too frequent to cause the disease. Based on the score and internal cut-off values, a variant classified as likely benign is not then subjected to further curation. The score for this variant resulted in a classification of likely benign for this disease.

NM_080669.6(SLC46A1):c.*3120A>G

Genes: SARM1 (sterile alpha and TIR motif containing 1; plus strand), SLC46A1 (solute carrier family 46 member 1; minus strand). Cytogenetic location: 17q11.2.
Variant type: single nucleotide variant.
Coding change: c.*3120A>G on transcript NM_080669.6 (MANE Select); 3120 bases downstream of the stop codon, A replaced by G.
Molecular consequence: 3 prime UTR variant.
Genome position (GRCh38, 1-based): chr17:28,396,536, T>C on the plus strand (A>G on the coding strand, the complement: SLC46A1 is on the minus strand). VCF-style: chr17-28396536-T-C. GRCh37 (hg19) VCF-style: chr17-26723555-T-C.
Other names: c.*3120A>G (NM_001242366.3); c.*250T>C (NM_015077.4).
Identifiers: ClinVar variation 888617 (VCV000888617.4), dbSNP rs147971222, ClinGen allele CA289111289.